The following is an entry in ClinVar:

ClinVar aggregate classification (germline): Pathogenic (1 of 4 stars; one submission).

Conditions:
Gorlin syndrome. Also called: Nevoid Basal Cell Carcinoma Syndrome; Basal cell nevus syndrome. Identifiers: Orphanet 377, MedGen C0004779, MONDO:0007187.

Submission:

Labcorp Genetics (formerly Invitae), Labcorp
Classification: Pathogenic for Gorlin syndrome. Last evaluated: 2023-12-01. Review status: criteria provided, single submitter. Criteria: Invitae Variant Classification Sherloc (09022015). Collection method: clinical testing. Allele origin: germline.
Comment: This sequence change creates a premature translational stop signal (p.Trp1051*) in the PTCH1 gene. It is expected to result in an absent or disrupted protein product. Loss-of-function variants in PTCH1 are known to be pathogenic (PMID: 16301862, 16419085). This variant is not present in population databases (gnomAD no frequency). This variant has not been reported in the literature in individuals affected with PTCH1-related conditions. For these reasons, this variant has been classified as Pathogenic.

Literature cited by the submitters: PubMed 16301862; PubMed 16419085.

NM_000264.5(PTCH1):c.3153G>A (p.Trp1051Ter)

Gene: PTCH1 (patched 1; minus strand). Cytogenetic location: 9q22.32.
Variant type: single nucleotide variant.
Coding change: c.3153G>A on transcript NM_000264.5 (MANE Select); coding-DNA position 3153, G replaced by A.
Protein change: p.Trp1051Ter; replaces tryptophan 1051 with a stop codon.
Molecular consequence: nonsense. On other transcripts: non-coding transcript variant (1).
Genome position (GRCh38, 1-based): chr9:95,458,028, C>T on the plus strand (G>A on the coding strand, the complement: PTCH1 is on the minus strand). VCF-style: chr9-95458028-C-T. GRCh37 (hg19) VCF-style: chr9-98220310-C-T.
Other names: c.2955G>A, p.Trp985Ter (NM_001083602.3); c.3150G>A, p.Trp1050Ter (NM_001083603.3); c.2700G>A, p.Trp900Ter (NM_001083604.3, NM_001083605.3, NM_001083606.3 and 1 more transcripts); c.2997G>A, p.Trp999Ter (NM_001354918.2); short protein forms W1050*, W999*, W900*, W985*, W1051*.
Identifiers: ClinVar variation 2700246 (VCV002700246.3), dbSNP rs2136659817, ClinGen allele CA374112278.
Genomic context (GRCh38, chr9:95,458,028, plus strand): 5'-CTGAAAGGAATTTGACTTCCACAAAGCCCCTTATAATACACTCACAATGATCCCGGCCGT[C>T]CAGGGGTTCAGAAGGAAGACAGCGCACACGAGGAATGTGCAGGCCAACACCACGCTGATG-3'